The following is an entry in ClinVar:

ClinVar aggregate classification (germline): Likely benign. Review status: criteria provided, multiple submitters, no conflicts (2 of 4 stars). 3 submissions from 3 submitters: Likely benign (3). Last evaluated 2025-08-19.

Conditions:
Cardiovascular phenotype. Identifiers: MedGen CN230736.
X-linked Emery-Dreifuss muscular dystrophy. Also called: Muscular dystrophy, tardive Emery-Dreifuss type, with contractures. Identifiers: Orphanet 261, Orphanet 98863, MedGen C0751337, MONDO:0010680.

Allele frequency attached by ClinVar (database versions not stated): TOPMed below 0.00001; gnomAD 0.00001; gnomAD exomes 0.00001 and 0.00003; ExAC 0.00002.

Submissions (3):

Labcorp Genetics (formerly Invitae), Labcorp
Classification: Likely benign for X-linked Emery-Dreifuss muscular dystrophy. Last evaluated: 2025-08-19. Review status: criteria provided, single submitter. Criteria: Invitae Variant Classification Sherloc (09022015). Collection method: clinical testing. Allele origin: germline.

Ambry Genetics
Classification: Likely benign for Cardiovascular phenotype. Last evaluated: 2025-02-01. Review status: criteria provided, single submitter. Criteria: Ambry Variant Classification Scheme 2023. Collection method: clinical testing. Allele origin: germline.

GeneDx
Classification: Likely benign. Last evaluated: 2016-03-02. Review status: criteria provided, single submitter. Criteria: GeneDx Variant Classification (06012015). Collection method: clinical testing. Allele origin: germline. Affected: yes.
Comment: This variant is considered likely benign or benign based on one or more of the following criteria: it is a conservative change, it occurs at a poorly conserved position in the protein, it is predicted to be benign by multiple in silico algorithms, and/or has population frequency not consistent with disease.

NM_000117.3(EMD):c.444G>A (p.Lys148=)

Gene: EMD (emerin; plus strand). Cytogenetic location: Xq28.
Variant type: single nucleotide variant.
Coding change: c.444G>A on transcript NM_000117.3 (MANE Select); coding-DNA position 444, G replaced by A.
Protein change: p.Lys148=; no amino-acid change (lysine 148 retained).
Molecular consequence: synonymous variant.
Genome position (GRCh38, 1-based): chrX:154,380,797, G>A. VCF-style: chrX-154380797-G-A. GRCh37 (hg19) VCF-style: chrX-153609157-G-A.
Identifiers: ClinVar variation 384418 (VCV000384418.13), dbSNP rs781889750, ClinGen allele CA10561607.
Genomic context (GRCh38, chrX:154,380,797, plus strand): 5'-TGACTCTCTTCTGCAGGTGCATGATGACGATCTTTTGTCTTCTTCTGAAGAGGAGTGCAA[G>A]GATAGGTGCGTAGTGGGGGAGCCCAGGGACGGGCTGGTTCTGGGTCCAGGCTCCTGGCCC-3'
Protein context (NP_000108.1, residues 138-158): DLLSSSEEEC[Lys148=]DRERPMYGRD